The following is an entry in ClinVar:

ClinVar aggregate classification (germline): Likely pathogenic. Review status: criteria provided, multiple submitters, no conflicts (2 of 4 stars). 2 submissions from 2 submitters: Likely pathogenic (2). Last evaluated 2025-05-15.

Conditions:
Alport syndrome. Also called: Hemorrhagic familial nephritis; Hemorrhagic hereditary nephritis; Congenital hereditary hematuria. Identifiers: Orphanet 63, MedGen C1567741, MONDO:0018965.

Submissions (2):

Natera, Inc.
Classification: Likely pathogenic for Alport syndrome. Last evaluated: 2025-05-15. Review status: criteria provided, single submitter. Criteria: Natera Variant Classification Schema (03/2026). Collection method: clinical testing. Allele origin: germline.
Comment: The c.1442G>T variant in COL4A4 is a missense variant predicted to cause substitution of glycine to valine at amino acid 481. This variant is rare in the general population with a frequency below the threshold expected for the associated phenotype(s). This variant is located in a functionally critical region of the protein. A different variant at the same position has been determined to be Pathogenic or Likely Pathogenic. Computational prediction algorithms indicate this variant is likely to affect gene or protein function. Given the available evidence, this variant is classified as Likely Pathogenic.

Victorian Clinical Genetics Services, Murdoch Childrens Research Institute
Classification: Likely pathogenic for Alport syndrome. Last evaluated: 2024-09-21. Review status: criteria provided, single submitter. Criteria: ACMG Guidelines, 2015. Collection method: clinical testing. Allele origin: germline. Affected: yes.
Comment: Based on the classification scheme VCGS_Germline_v1.3.4, this variant is classified as Likely pathogenic. Following criteria are met: 0103 - Loss of function is a known mechanism of disease for this gene and is associated with Alport syndrome. Dominant negative is a suspected mechanism of disease for this gene as it is a structural protein (PMIDs: 12028435, 24046192). (I) 0108 - This gene is associated with both recessive and dominant disease. Alport syndrome typically has biallelic inheritance, although rare cases of monoallelic inheritance have been reported (PMID: 28704582). Thin basement membrane nephropathy (TBMN) and focal segmental glomerulosclerosis (FSGS) are associated with autosomal dominant inheritance (OMIM, PMIDs: 16467446, 17942953). (I) 0200 - Variant is predicted to result in a missense amino acid change from glycine to valine. (I) 0251 - This variant is heterozygous. (I) 0301 - Variant is absent from gnomAD (both v2 and v3). (SP) 0309 - An alternative amino acid change at the same position has been observed in gnomAD (v2) (21 heterozygotes, 0 homozygotes). (I) 0501 - Missense variant consistently predicted to be damaging by multiple in silico tools or highly conserved with a major amino acid change. (SP) 0601 - Variant is located in the well-established functional Gly-X-Y motif within the triple-helical region (DECIPHER). (SP) 0708 - Another missense variant comparable to the one identified in this case has conflicting previous evidence for pathogenicity. p.(Gly481Ser) has been classified as pathogenic, a VUS and benign by clinical laboratories in ClinVar, and reported in an individual with microhaematuria and macrohaematuria (PMID: 15618242). (I) 0809 - Previous evidence of pathogenicity for this variant is inconclusive. This variant has been observed in one family with haematuria and was classified as a VUS (PMID: 35368817). (I) 1007 - No published functional evidence has been identified for this variant. (I) Legend: (SP) - Supporting pathogenic, (I) - Information, (SB) - Supporting benign

Literature cited by the submitters: PubMed 12028435 (cited by Victorian Clinical Genetics Services, Murdoch Childrens Research Institute); PubMed 15618242 (cited by Victorian Clinical Genetics Services, Murdoch Childrens Research Institute); PubMed 16467446 (cited by Victorian Clinical Genetics Services, Murdoch Childrens Research Institute); PubMed 17942953 (cited by Victorian Clinical Genetics Services, Murdoch Childrens Research Institute); PubMed 24046192 (cited by Victorian Clinical Genetics Services, Murdoch Childrens Research Institute); PubMed 28704582 (cited by Victorian Clinical Genetics Services, Murdoch Childrens Research Institute); PubMed 35368817 (cited by Victorian Clinical Genetics Services, Murdoch Childrens Research Institute).

NM_000092.5(COL4A4):c.1442G>T (p.Gly481Val)

Gene: COL4A4 (collagen type IV alpha 4 chain; minus strand). Cytogenetic location: 2q36.3.
Variant type: single nucleotide variant.
Coding change: c.1442G>T on transcript NM_000092.5 (MANE Select); coding-DNA position 1442, G replaced by T.
Protein change: p.Gly481Val; replaces glycine 481 with valine.
Molecular consequence: missense variant.
Genome position (GRCh38, 1-based): chr2:227,089,885, C>A on the plus strand (G>T on the coding strand, the complement: COL4A4 is on the minus strand). VCF-style: chr2-227089885-C-A. GRCh37 (hg19) VCF-style: chr2-227954601-C-A.
Other names: short protein forms G481V.
Identifiers: ClinVar variation 3377381 (VCV003377381.3).